The following is an entry in ClinVar:

NM_133259.4(LRPPRC):c.*734A>G

Gene: LRPPRC (leucine rich pentatricopeptide repeat containing; minus strand). Cytogenetic location: 2p21.
Variant type: single nucleotide variant.
Coding change: c.*734A>G on transcript NM_133259.4 (MANE Select); 734 bases downstream of the stop codon, A replaced by G.
Molecular consequence: 3 prime UTR variant.
Genome position (GRCh38, 1-based): chr2:43,887,866, T>C on the plus strand (A>G on the coding strand, the complement: LRPPRC is on the minus strand). VCF-style: chr2-43887866-T-C. GRCh37 (hg19) VCF-style: chr2-44115005-T-C.
Identifiers: ClinVar variation 898369 (VCV000898369.5), dbSNP rs114517881, ClinGen allele CA46494020.

ClinVar aggregate classification (germline): Benign. Review status: criteria provided, multiple submitters, no conflicts (2 of 4 stars). 2 submissions from 2 submitters: Benign (2). Last evaluated 2017-04-27.

Conditions:
Congenital lactic acidosis, Saguenay-Lac-Saint-Jean type (MC4DN5). Also called: MITOCHONDRIAL COMPLEX IV DEFICIENCY, NUCLEAR TYPE 5; CYTOCHROME c OXIDASE DEFICIENCY, FRENCH CANADIAN TYPE; COX DEFICIENCY, FRENCH CANADIAN TYPE. Identifiers: Orphanet 70472, MedGen C1857355, MONDO:0009069, OMIM 220111.

Allele frequency attached by ClinVar (database versions not stated): gnomAD 0.00760 and 0.00810; TOPMed 0.00879; 1000 Genomes Project 0.00978; 1000 Genomes Project 30x 0.01187.

Submissions (2):

Illumina Laboratory Services, Illumina
Classification: Benign for Congenital lactic acidosis, Saguenay-Lac-Saint-Jean type. Last evaluated: 2017-04-27. Review status: criteria provided, single submitter. Criteria: ICSL Variant Classification Criteria 13 December 2019. Collection method: clinical testing. Allele origin: germline.
Comment: This variant was observed as part of a predisposition screen in an ostensibly healthy population. A literature search was performed for the gene, cDNA change, and amino acid change (where applicable). No publications were found based on this search. Allele frequency data from public databases was too high to be consistent with this variant causing disease. Therefore, this variant is classified as benign.

Breakthrough Genomics
Classification: Benign. Review status: criteria provided, single submitter. Criteria: ACMG Guidelines, 2015. Collection method: not provided. Allele origin: germline. Inheritance: Autosomal recessive inheritance. Affected: yes.